The following is an entry in ClinVar:

NM_001134407.3(GRIN2A):c.2288T>C (p.Ile763Thr)

Gene: GRIN2A (glutamate ionotropic receptor NMDA type subunit 2A; minus strand). Cytogenetic location: 16p13.2.
Variant type: single nucleotide variant.
Coding change: c.2288T>C on transcript NM_001134407.3 (MANE Select); coding-DNA position 2288, T replaced by C.
Protein change: p.Ile763Thr; replaces isoleucine 763 with threonine.
Molecular consequence: missense variant.
Genome position (GRCh38, 1-based): chr16:9,798,345, A>G on the plus strand (T>C on the coding strand, the complement: GRIN2A is on the minus strand). VCF-style: chr16-9798345-A-G. GRCh37 (hg19) VCF-style: chr16-9892202-A-G.
Other names: c.2288T>C, p.Ile763Thr (NM_000833.5, NM_001134408.2); short protein forms I763T.
Identifiers: ClinVar variation 426564 (VCV000426564.3), dbSNP rs1085307688, ClinGen allele CA394797085.

ClinVar aggregate classification (germline): Uncertain significance (1 of 4 stars; one submission).

Submission:

GeneDx
Classification: Uncertain significance. Last evaluated: 2024-03-31. Review status: criteria provided, single submitter. Criteria: GeneDx Variant Classification Process June 2021. Collection method: clinical testing. Allele origin: germline. Affected: yes.
Comment: Not observed at significant frequency in large population cohorts (gnomAD); In silico analysis supports that this missense variant has a deleterious effect on protein structure/function; Has not been previously published as pathogenic or benign to our knowledge; This variant is associated with the following publications: (PMID: 27839871)